The following is an entry in ClinVar:

ClinVar aggregate classification (germline): Uncertain significance. Review status: criteria provided, multiple submitters, no conflicts (2 of 4 stars). 2 submissions from 2 submitters: Uncertain significance (2). Last evaluated 2022-07-18.

Conditions:
Short-rib thoracic dysplasia 11 with or without polydactyly (SRTD11). Also called: SHORT-RIB THORACIC DYSPLASIA 11 WITHOUT POLYDACTYLY. Identifiers: Orphanet 474, Orphanet 93271, MedGen C3810200, MONDO:0014287, OMIM 615633.
Inborn genetic diseases. Identifiers: MedGen C0950123, MeSH D030342.

gnomAD v4.1: 89 of 1,498,244 alleles (0.0059%); highest among the groups gnomAD compares: Middle Eastern, 0.021%; no homozygotes.

Submissions (2):

Labcorp Genetics (formerly Invitae), Labcorp
Classification: Uncertain significance for Short-rib thoracic dysplasia 11 with or without polydactyly. Last evaluated: 2022-07-18. Review status: criteria provided, single submitter. Criteria: Invitae Variant Classification Sherloc (09022015). Collection method: clinical testing. Allele origin: germline.
Comment: This sequence change replaces serine, which is neutral and polar, with asparagine, which is neutral and polar, at codon 15 of the WDR34 protein (p.Ser15Asn). This variant is present in population databases (rs752793349, gnomAD 0.04%). This variant has not been reported in the literature in individuals affected with WDR34-related conditions. ClinVar contains an entry for this variant (Variation ID: 1681269). Algorithms developed to predict the effect of missense changes on protein structure and function (SIFT, PolyPhen-2, Align-GVGD) all suggest that this variant is likely to be tolerated. In summary, the available evidence is currently insufficient to determine the role of this variant in disease. Therefore, it has been classified as a Variant of Uncertain Significance.

Ambry Genetics
Classification: Uncertain significance for Inborn genetic diseases. Last evaluated: 2021-08-12. Review status: criteria provided, single submitter. Criteria: Ambry Variant Classification Scheme 2023. Collection method: clinical testing. Allele origin: germline.

NM_052844.4(DYNC2I2):c.44G>A (p.Ser15Asn)

Gene: DYNC2I2 (dynein 2 intermediate chain 2; minus strand). Cytogenetic location: 9q34.11.
Variant type: single nucleotide variant.
Coding change: c.44G>A on transcript NM_052844.4 (MANE Select); coding-DNA position 44, G replaced by A.
Protein change: p.Ser15Asn; replaces serine 15 with asparagine.
Molecular consequence: missense variant.
Genome position (GRCh38, 1-based): chr9:128,656,683, C>T on the plus strand (G>A on the coding strand, the complement: DYNC2I2 is on the minus strand). VCF-style: chr9-128656683-C-T. GRCh37 (hg19) VCF-style: chr9-131418962-C-T.
Other names: c.44G>A (NM_052844.3); short protein forms S15N.
Identifiers: ClinVar variation 1681269 (VCV001681269.4), dbSNP rs752793349, ClinGen allele CA5266759.